The following is an entry in ClinVar:

ClinVar aggregate classification (germline): Uncertain significance (1 of 4 stars; one submission).

Conditions:
Duchenne muscular dystrophy (DMD). Also called: MUSCULAR DYSTROPHY, PSEUDOHYPERTROPHIC PROGRESSIVE, DUCHENNE TYPE; Duchenne Muscular Dystrophy (DMD). Identifiers: Orphanet 98896, MedGen C0013264, MONDO:0010679, OMIM 310200.

Submission:

Labcorp Genetics (formerly Invitae), Labcorp
Classification: Uncertain significance for Duchenne muscular dystrophy. Last evaluated: 2025-02-10. Review status: criteria provided, single submitter. Criteria: Invitae Variant Classification Sherloc (09022015). Collection method: clinical testing. Allele origin: germline.
Comment: This sequence change replaces asparagine, which is neutral and polar, with threonine, which is neutral and polar, at codon 135 of the DMD protein (p.Asn135Thr). This variant is not present in population databases (gnomAD no frequency). This variant has not been reported in the literature in individuals affected with DMD-related conditions. Invitae Evidence Modeling of protein sequence and biophysical properties (such as structural, functional, and spatial information, amino acid conservation, physicochemical variation, residue mobility, and thermodynamic stability) indicates that this missense variant is not expected to disrupt DMD protein function with a negative predictive value of 95%. In summary, the available evidence is currently insufficient to determine the role of this variant in disease. Therefore, it has been classified as a Variant of Uncertain Significance.

NM_004006.3(DMD):c.404A>C (p.Asn135Thr)

Gene: DMD (dystrophin; minus strand). Cytogenetic location: Xp21.1.
Variant type: single nucleotide variant.
Coding change: c.404A>C on transcript NM_004006.3 (MANE Select); coding-DNA position 404, A replaced by C.
Protein change: p.Asn135Thr; replaces asparagine 135 with threonine.
Molecular consequence: missense variant.
Genome position (GRCh38, 1-based): chrX:32,816,594, T>G on the plus strand (A>C on the coding strand, the complement: DMD is on the minus strand). VCF-style: chrX-32816594-T-G. GRCh37 (hg19) VCF-style: chrX-32834711-T-G.
Other names: c.380A>C, p.Asn127Thr (NM_000109.4); c.392A>C, p.Asn131Thr (NM_004009.3); c.35A>C, p.Asn12Thr (NM_004010.3); short protein forms N135T, N127T, N12T, N131T.
Identifiers: ClinVar variation 4774997 (VCV004774997.1).
Genomic context (GRCh38, chrX:32,816,594, plus strand): 5'-TTAACCTGTGGATAATTACGAGTTGATTGTCGGACCCAGCTCAGGAGAATCTTTTCACTG[T>G]TGGTTTGTTGCAATCCAGCCATGATATTTTTCATTACATTTTTGACCTACATGTGGAAAT-3'
Protein context (NP_003997.2, residues 125-145): KNIMAGLQQT[Asn135Thr]SEKILLSWVR